The following is an entry in ClinVar:

ClinVar aggregate classification (germline): Likely benign. Review status: criteria provided, multiple submitters, no conflicts (2 of 4 stars). 6 submissions from 6 submitters: Likely benign (6). Last evaluated 2026-02-04.

Conditions:
Cardiovascular phenotype. Identifiers: MedGen CN230736.
Dilated cardiomyopathy 1O (CMD1O). Also called: CARDIOMYOPATHY, DILATED, WITH VENTRICULAR TACHYCARDIA. Identifiers: Orphanet 154, MedGen C1837839, MONDO:0012062, OMIM 608569.
Cardiomyopathy (CMYO). Also called: Cardiomyopathies. Identifiers: Orphanet 167848, MedGen C0878544, MONDO:0004994, HP:0001638. Inheritance: Various modes of inheritance.

Allele frequency attached by ClinVar (database versions not stated): TOPMed 0.00002; ExAC 0.00004; gnomAD exomes 0.00004 and 0.00002; gnomAD 0.00001.
gnomAD v4.1: 30 of 1,613,604 alleles (0.0019%); highest among the groups gnomAD compares: Non-Finnish European, 0.0023%; no homozygotes.

Submissions (6):

Labcorp Genetics (formerly Invitae), Labcorp
Classification: Likely benign for Dilated cardiomyopathy 1O. Last evaluated: 2026-02-04. Review status: criteria provided, single submitter. Criteria: Invitae Variant Classification Sherloc (09022015). Collection method: clinical testing. Allele origin: germline.

CeGaT Center for Human Genetics Tuebingen
Classification: Likely benign. Last evaluated: 2026-02-01. Review status: criteria provided, single submitter. Criteria: CeGaT Center For Human Genetics Tuebingen Variant Classification Criteria Version 2. Collection method: clinical testing. Allele origin: germline. Affected: yes. Observed: 2 variant alleles.
Comment: ABCC9: BP4, BP7

Blueprint Genetics
Classification: Likely benign. Last evaluated: 2024-11-06. Review status: criteria provided, single submitter. Criteria: ACMG Guidelines, 2015. Collection method: clinical testing. Allele origin: germline.

Ambry Genetics
Classification: Likely benign for Cardiovascular phenotype. Last evaluated: 2022-05-17. Review status: criteria provided, single submitter. Criteria: Ambry Variant Classification Scheme 2023. Collection method: clinical testing. Allele origin: germline.

CHEO Genetics Diagnostic Laboratory, Children's Hospital of Eastern Ontario
Classification: Likely benign for Cardiomyopathy. Last evaluated: 2020-09-23. Review status: criteria provided, single submitter. Criteria: ACMG Guidelines, 2015. Collection method: clinical testing. Allele origin: germline.

Women's Health and Genetics/Laboratory Corporation of America, LabCorp
Classification: Likely benign. Last evaluated: 2019-01-21. Review status: criteria provided, single submitter. Criteria: LabCorp Variant Classification Summary - May 2015. Collection method: clinical testing. Allele origin: germline.
Comment: Variant summary: ABCC9 c.957T>C alters a non-conserved nucleotide resulting in a synonymous change. 5/5 computational tools predict no significant impact on normal splicing. However, these predictions have yet to be confirmed by functional studies. The variant allele was found at a frequency of 4.5e-05 in 245728 control chromosomes. The observed variant frequency is approximately 2-folds higher than the estimated maximal expected allele frequency for a pathogenic variant in ABCC9 causing Cardiomyopathy phenotype (2.5e-05), strongly suggesting that the variant is benign. To our knowledge, no occurrence of c.957T>C in individuals affected with Cardiomyopathy and no experimental evidence demonstrating its impact on protein function have been reported. No clinical diagnostic laboratories have submitted clinical-significance assessments for this variant to ClinVar after 2014. Based on the evidence outlined above, the variant was classified as likely benign.

NM_020297.4(ABCC9):c.957T>C (p.Ser319=)

Gene: ABCC9 (ATP binding cassette subfamily C member 9; minus strand). Cytogenetic location: 12p12.1.
Variant type: single nucleotide variant.
Coding change: c.957T>C on transcript NM_020297.4 (MANE Select); coding-DNA position 957, T replaced by C.
Protein change: p.Ser319=; no amino-acid change (serine 319 retained).
Molecular consequence: synonymous variant.
Genome position (GRCh38, 1-based): chr12:21,912,926, A>G on the plus strand (T>C on the coding strand, the complement: ABCC9 is on the minus strand). VCF-style: chr12-21912926-A-G. GRCh37 (hg19) VCF-style: chr12-22065860-A-G.
Other names: c.957T>C, p.Ser319= (NM_001377273.1, NM_005691.4); c.93T>C, p.Ser31= (NM_001377274.1).
Identifiers: ClinVar variation 701995 (VCV000701995.21), dbSNP rs768245158, ClinGen allele CA6481768.